The following is an entry in ClinVar:

ClinVar aggregate classification (germline): Uncertain significance. Review status: criteria provided, multiple submitters, no conflicts (2 of 4 stars). 2 submissions from 2 submitters: Uncertain significance (2). Last evaluated 2024-04-29.

Conditions:
Immunodeficiency 51 (IMD51). Also called: CANDIDIASIS, FAMILIAL, 5. Identifiers: Orphanet 1334, MedGen C4310803, MONDO:0013500, OMIM 613953.

Allele frequency attached by ClinVar (database versions not stated): ExAC 0.00002; gnomAD exomes 0.00002; gnomAD 0.00006 and 0.00007; TOPMed 0.00007; ESP Exome Variant Server 0.00015.
gnomAD v4.1: 42 of 1,614,104 alleles (0.0026%); highest among the groups gnomAD compares: South Asian, 0.011%; no homozygotes.

Submissions (2):

Labcorp Genetics (formerly Invitae), Labcorp
Classification: Uncertain significance for Immunodeficiency 51. Last evaluated: 2024-04-29. Review status: criteria provided, single submitter. Criteria: Invitae Variant Classification Sherloc (09022015). Collection method: clinical testing. Allele origin: germline.
Comment: This sequence change replaces glutamic acid, which is acidic and polar, with lysine, which is basic and polar, at codon 110 of the IL17RA protein (p.Glu110Lys). The frequency data for this variant in the population databases is considered unreliable, as metrics indicate poor data quality at this position in the gnomAD database. This variant has not been reported in the literature in individuals affected with IL17RA-related conditions. ClinVar contains an entry for this variant (Variation ID: 542911). Advanced modeling of protein sequence and biophysical properties (such as structural, functional, and spatial information, amino acid conservation, physicochemical variation, residue mobility, and thermodynamic stability) performed at Invitae indicates that this missense variant is not expected to disrupt IL17RA protein function with a negative predictive value of 80%. In summary, the available evidence is currently insufficient to determine the role of this variant in disease. Therefore, it has been classified as a Variant of Uncertain Significance.

Ambry Genetics
Classification: Uncertain significance. Last evaluated: 2023-09-22. Review status: criteria provided, single submitter. Criteria: Ambry Variant Classification Scheme 2023. Collection method: clinical testing. Allele origin: germline.

NM_014339.7(IL17RA):c.328G>A (p.Glu110Lys)

Gene: IL17RA (interleukin 17 receptor A; plus strand). Cytogenetic location: 22q11.1.
Variant type: single nucleotide variant.
Coding change: c.328G>A on transcript NM_014339.7 (MANE Select); coding-DNA position 328, G replaced by A.
Protein change: p.Glu110Lys; replaces glutamic acid 110 with lysine.
Molecular consequence: missense variant.
Genome position (GRCh38, 1-based): chr22:17,098,792, G>A. VCF-style: chr22-17098792-G-A. GRCh37 (hg19) VCF-style: chr22-17579682-G-A.
Other names: c.328G>A (NM_014339.5); c.328G>A, p.Glu110Lys (NM_001289905.2); short protein forms E110K.
Identifiers: ClinVar variation 542911 (VCV000542911.10), dbSNP rs376575302, ClinGen allele CA10086314.
Genomic context (GRCh38, chr22:17,098,792, plus strand): 5'-GCTGATCTGCATCTGTTTGTCTTCTCTTCTCCCTCTCCTGCAGCCAGCATCCTGTACCTC[G>A]AGGGTGCAGAGTTATCTGTCCTGCAGCTGAACACCAATGAACGTTTGTGCGTCAGGTTTG-3'
Protein context (NP_055154.3, residues 100-120): LQTDASILYL[Glu110Lys]GAELSVLQLN